The following is an entry in ClinVar:

ClinVar aggregate classification (germline): Uncertain significance (1 of 4 stars; one submission).

Submission:

Labcorp Genetics (formerly Invitae), Labcorp
Classification: Uncertain significance. Last evaluated: 2021-12-24. Review status: criteria provided, single submitter. Criteria: Invitae Variant Classification Sherloc (09022015). Collection method: clinical testing. Allele origin: germline.
Comment: Algorithms developed to predict the effect of missense changes on protein structure and function are either unavailable or do not agree on the potential impact of this missense change (SIFT: "Deleterious"; PolyPhen-2: "Benign"; Align-GVGD: "Class C0"). This sequence change replaces aspartic acid, which is acidic and polar, with asparagine, which is neutral and polar, at codon 1768 of the POLE protein (p.Asp1768Asn). This variant is not present in population databases (gnomAD no frequency). This variant has not been reported in the literature in individuals affected with POLE-related conditions. In summary, the available evidence is currently insufficient to determine the role of this variant in disease. Therefore, it has been classified as a Variant of Uncertain Significance.

NM_006231.4(POLE):c.5302G>A (p.Asp1768Asn)

Gene: POLE (DNA polymerase epsilon, catalytic subunit; minus strand). Cytogenetic location: 12q24.33.
Variant type: single nucleotide variant.
Coding change: c.5302G>A on transcript NM_006231.4 (MANE Select); coding-DNA position 5302, G replaced by A.
Protein change: p.Asp1768Asn; replaces aspartic acid 1768 with asparagine.
Molecular consequence: missense variant.
Genome position (GRCh38, 1-based): chr12:132,641,723, C>T on the plus strand (G>A on the coding strand, the complement: POLE is on the minus strand). VCF-style: chr12-132641723-C-T. GRCh37 (hg19) VCF-style: chr12-133218309-C-T.
Other names: short protein forms D1768N.
Identifiers: ClinVar variation 2057854 (VCV002057854.4), dbSNP rs2042146868, ClinGen allele CA387376060.